The following is an entry in ClinVar:

ClinVar aggregate classification (germline): Benign/Likely benign. Review status: criteria provided, multiple submitters, no conflicts (2 of 4 stars). 3 submissions from 3 submitters: Benign (2); Likely benign (1). Last evaluated 2026-01-31.

Conditions:
Epidermolysis bullosa dystrophica. Also called: Dystrophic epidermolysis bullosa, Hallopeau-Siemens type (formerly); Dystrophic epidermolysis bullosa. Identifiers: Orphanet 303, MedGen C0079294, MONDO:0006543.

Allele frequency attached by ClinVar (database versions not stated): ESP Exome Variant Server 0.00015; gnomAD 0.00018 and 0.00062; TOPMed 0.00027; ExAC 0.00160; 1000 Genomes Project 0.00200; 1000 Genomes Project 30x 0.00219.
gnomAD v4.1: 1,227 of 1,614,066 alleles (0.076%); highest among the groups gnomAD compares: South Asian, 1%; 12 homozygotes.

Submissions (3):

Labcorp Genetics (formerly Invitae), Labcorp
Classification: Benign. Last evaluated: 2026-01-31. Review status: criteria provided, single submitter. Criteria: Invitae Variant Classification Sherloc (09022015). Collection method: clinical testing. Allele origin: germline.

Blueprint Genetics
Classification: Likely benign. Last evaluated: 2024-11-11. Review status: criteria provided, single submitter. Criteria: ACMG Guidelines, 2015. Collection method: clinical testing. Allele origin: germline.

Illumina Laboratory Services, Illumina
Classification: Benign for Dystrophic epidermolysis bullosa. Last evaluated: 2018-01-12. Review status: criteria provided, single submitter. Criteria: ICSL Variant Classification Criteria 13 December 2019. Collection method: clinical testing. Allele origin: germline.
Comment: This variant was observed in the ICSL laboratory as part of a predisposition screen in an ostensibly healthy population. It had not been previously curated by ICSL or reported in the Human Gene Mutation Database (HGMD: prior to June 1st, 2018), and was therefore a candidate for classification through an automated scoring system. Utilizing variant allele frequency, disease prevalence and penetrance estimates, and inheritance mode, an automated score was calculated to assess if this variant is too frequent to cause the disease. Based on the score and internal cut-off values, a variant classified as benign is not then subjected to further curation. The score for this variant resulted in a classification of benign for this disease.

NM_000094.4(COL7A1):c.3786+15G>A

Gene: COL7A1 (collagen type VII alpha 1 chain; minus strand). Cytogenetic location: 3p21.31.
Variant type: single nucleotide variant.
Coding change: c.3786+15G>A on transcript NM_000094.4 (MANE Select); 15 bases into the intron after coding-DNA position 3786, G replaced by A.
Molecular consequence: intron variant.
Genome position (GRCh38, 1-based): chr3:48,585,815, C>T on the plus strand (G>A on the coding strand, the complement: COL7A1 is on the minus strand). VCF-style: chr3-48585815-C-T. GRCh37 (hg19) VCF-style: chr3-48623248-C-T.
Identifiers: ClinVar variation 902544 (VCV000902544.12), dbSNP rs373252766, ClinGen allele CA2380403.